The following is an entry in ClinVar:

NM_001042472.3(ABHD12):c.1075del (p.Val359fs)

Gene: ABHD12 (abhydrolase domain containing 12, lysophospholipase; minus strand). Cytogenetic location: 20p11.21.
Variant type: Deletion.
Coding change: c.1075del on transcript NM_001042472.3 (MANE Select); coding-DNA position 1075, one base deleted (G; older notation c.1075delG).
Protein change: p.Val359fs; shifts the reading frame from valine 359.
Molecular consequence: frameshift variant.
Genome position (GRCh38, 1-based): chr20:25,302,301, C deleted on the plus strand (G on the coding strand, the reverse complement: ABHD12 is on the minus strand). VCF-style (leftmost placement, unchanged base first): chr20-25302300-AC-A. GRCh37 (hg19) VCF-style: chr20-25282936-AC-A.
Other names: c.1075del, p.Val359fs (NM_015600.5); short protein forms V359fs.
Identifiers: ClinVar variation 817825 (VCV000817825.13), dbSNP rs757670984, ClinGen allele CA9795831.
Genomic context (GRCh38, chr20:25,302,300, plus strand): 5'-GGGCTCTTGTAAATGTATTTGTGCCTGTAGCCAAGGTCTGAATGAAAGGGCACAAACTGA[AC>A]TTTGAAATCTCGGAAGCTTCGAGCTGGTGCGGCGATGCTATAGAGCTGGGGAGAGAGGGG-3'

ClinVar aggregate classification (germline): Pathogenic/Likely pathogenic. Review status: criteria provided, multiple submitters, no conflicts (2 of 4 stars). 7 submissions from 7 submitters: Pathogenic (1); Likely pathogenic (3). 3 of the submissions do not count toward it. Last evaluated 2023-10-29.

Conditions:
ABHD12-related disorder. Also called: ABHD12-related condition.

Allele frequency attached by ClinVar (database versions not stated): gnomAD 0.00001; gnomAD exomes 0.00001; TOPMed 0.00001; ExAC 0.00002.

Submissions (7):

Labcorp Genetics (formerly Invitae), Labcorp
Classification: Likely pathogenic. Last evaluated: 2023-10-29. Review status: criteria provided, single submitter. Criteria: Invitae Variant Classification Sherloc (09022015). Collection method: clinical testing. Allele origin: germline.
Comment: This sequence change creates a premature translational stop signal (p.Val359Phefs*27) in the ABHD12 gene. While this is not anticipated to result in nonsense mediated decay, it is expected to disrupt the last 40 amino acid(s) of the ABHD12 protein. This variant is present in population databases (rs757670984, gnomAD 0.002%). This premature translational stop signal has been observed in individuals with polyneuropathy, hearing loss, ataxia, retinitis pigmentosa, and cataract (PMID: 24027063; Invitae). ClinVar contains an entry for this variant (Variation ID: 817825). This variant disrupts the C-terminus of the ABHD12 protein. Other variant(s) that disrupt this region (p.Lys377*) have been observed in individuals with ABHD12-related conditions (PMID: 24027063). This suggests that this may be a clinically significant region of the protein. In summary, the currently available evidence indicates that the variant is pathogenic, but additional data are needed to prove that conclusively. Therefore, this variant has been classified as Likely Pathogenic.

Centre of Medical Genetics, University Hospital Muenster
Classification: Pathogenic. Last evaluated: 2022-08-05. Review status: criteria provided, single submitter. Criteria: ACMG Guidelines, 2015. Collection method: clinical testing. Allele origin: unknown. Affected: yes. Observed: 1 variant allele.
Comment: ACMG categories: PVS1,PM2,PP5

Blueprint Genetics
Classification: Likely pathogenic for ABHD12-related disorders. Last evaluated: 2021-10-04. Review status: criteria provided, single submitter. Criteria: ACMG Guidelines, 2015. Collection method: clinical testing. Allele origin: germline. Affected: yes. Observed: 4 variant alleles.

GeneDx
Classification: Likely pathogenic. Last evaluated: 2019-03-20. Review status: criteria provided, single submitter. Criteria: GeneDx Variant Classification (06012015). Collection method: clinical testing. Allele origin: germline. Affected: yes.
Comment: The c.1075delG variant in the ABHD12 gene has not been reported previously as a pathogenic variant nor as a benign variant, to our knowledge. The c.1075delG variant causes a frameshift starting with codon Valine 359, changes this amino acid to a Phenylalanine residue, and creates a premature Stop codon at position 27 of the new reading frame, denoted p.Val359PhefsX27. This variant is predicted to cause loss of normal protein function through protein truncation. The c.1075delG variant is not observed at a significant frequency in large population cohorts (Lek et al., 2016). We interpret c.1075delG as a likely pathogenic variant.

Clinical Genetics DNA and cytogenetics Diagnostics Lab, Erasmus MC, Erasmus Medical Center
Classification: Pathogenic. Review status: no assertion criteria provided. Collection method: clinical testing. Allele origin: germline. Affected: yes. Study: VKGL Data-share Consensus. Not counted in ClinVar's aggregate classification.

Genome Diagnostics Laboratory, Amsterdam University Medical Center
Classification: Pathogenic. Review status: no assertion criteria provided. Collection method: clinical testing. Allele origin: germline. Affected: yes. Study: VKGL Data-share Consensus. Not counted in ClinVar's aggregate classification.

Joint Genome Diagnostic Labs from Nijmegen and Maastricht, Radboudumc and MUMC+
Classification: Pathogenic. Review status: no assertion criteria provided. Collection method: clinical testing. Allele origin: germline. Affected: yes. Study: VKGL Data-share Consensus. Not counted in ClinVar's aggregate classification.

Literature cited by the submitters: PubMed 24027063 (cited by Labcorp Genetics (formerly Invitae), Labcorp).